The following is an entry in ClinVar:

NM_000157.4(GBA1):c.1444G>A (p.Asp482Asn)

Genes: GBA1 (glucosylceramidase beta 1; minus strand), LOC106627981 (GBA recombination region; plus strand). Cytogenetic location: 1q22.
Variant type: single nucleotide variant.
Coding change: c.1444G>A on transcript NM_000157.4 (MANE Select); coding-DNA position 1444, G replaced by A.
Protein change: p.Asp482Asn; replaces aspartic acid 482 with asparagine.
Molecular consequence: missense variant.
Genome position (GRCh38, 1-based): chr1:155,235,256, C>T on the plus strand (G>A on the coding strand, the complement: GBA1 is on the minus strand). VCF-style: chr1-155235256-C-T. GRCh37 (hg19) VCF-style: chr1-155205047-C-T.
Other names: D443N; c.1444G>A, p.Asp482Asn (NM_001005741.3, NM_001005742.3); c.1183G>A, p.Asp395Asn (NM_001171811.2); c.1297G>A, p.Asp433Asn (NM_001171812.2); short protein forms D395N, D433N, D482N.
Identifiers: ClinVar variation 4335 (VCV000004335.35), dbSNP rs75671029, ClinGen allele CA253118.

ClinVar aggregate classification (germline): Conflicting classifications of pathogenicity. Review status: criteria provided, conflicting classifications (1 of 4 stars). 10 submissions from 10 submitters: Uncertain significance (1); Benign (1); Likely benign (6). 2 of the submissions do not count toward it. Last evaluated 2026-01-31.

Conditions:
Gaucher disease-ophthalmoplegia-cardiovascular calcification syndrome. Also called: GAUCHER DISEASE, TYPE IIIC. Identifiers: Orphanet 2072, MedGen C1856476, MONDO:0009268, OMIM 231005.
Lewy body dementia (DLB). Also called: Lewy Body Disease. Identifiers: MedGen C0752347, MONDO:0007488, OMIM 127750.
Parkinson disease, late-onset (PD). Also called: PARKINSON DISEASE, LATE-ONSET, SUSCEPTIBILITY TO; Susceptibility to Parkinson's Disease; Hereditary late onset Parkinson disease. Identifiers: Orphanet 411602, MedGen C3160718, MONDO:0008199, OMIM 168600.
Gaucher disease perinatal lethal. Also called: Gaucher disease collodion type; Gaucher Disease, Perinatal-Lethal Form. Identifiers: Orphanet 85212, MedGen C1842704, MONDO:0011945, OMIM 608013.
Gaucher disease type I (GD1). Also called: Gaucher's disease, type 1; ACID BETA-GLUCOSIDASE DEFICIENCY; GAUCHER DISEASE, NONCEREBRAL JUVENILE; GBA DEFICIENCY; GD I; GLUCOCEREBROSIDASE DEFICIENCY. Identifiers: Orphanet 355, Orphanet 77259, MedGen C1961835, MONDO:0009265, OMIM 230800.
Gaucher disease type II (GD2). Also called: GAUCHER DISEASE, ACUTE NEURONOPATHIC TYPE; GD II; Acute neuronopathic Gaucher's disease; Type 2 Gaucher disease (Acute; Infantile). Identifiers: Orphanet 77260, MedGen C0268250, MONDO:0009266, OMIM 230900.
Gaucher disease type III. Also called: GAUCHER DISEASE, CHRONIC NEURONOPATHIC TYPE; GAUCHER DISEASE, JUVENILE AND ADULT, CEREBRAL; GAUCHER DISEASE, SUBACUTE NEURONOPATHIC TYPE; GD III; Subacute neuronopathic Gaucher's disease; Type 3 Gaucher disease (Subacute; Juvenile). Identifiers: Orphanet 355, Orphanet 77261, MedGen C0268251, MONDO:0009267, OMIM 231000.
Gaucher disease. Also called: Acute cerebral Gaucher disease; Cerebroside lipidosis syndrome; Gaucher splenomegaly; Sphingolipidosis 1; Glucocerebrosidosis; Glucosylceramidase deficiency. Identifiers: Orphanet 355, MedGen C0017205, MONDO:0018150.

Allele frequency attached by ClinVar (database versions not stated): gnomAD exomes 0.00052; ExAC 0.00069; gnomAD 0.00213 and 0.00236; ESP Exome Variant Server 0.00231; 1000 Genomes Project 0.00240; TOPMed 0.00271; 1000 Genomes Project 30x 0.00312.
gnomAD v4.1: 683 of 1,613,852 alleles (0.042%); highest among the groups gnomAD compares: African/African-American, 0.82%; 4 homozygotes.

Submissions (10):

Labcorp Genetics (formerly Invitae), Labcorp
Classification: Benign. Last evaluated: 2026-01-31. Review status: criteria provided, single submitter. Criteria: Invitae Variant Classification Sherloc (09022015). Collection method: clinical testing. Allele origin: germline.

Genomic Medicine Center of Excellence, King Faisal Specialist Hospital and Research Centre
Classification: Likely benign for Lewy body dementia. Last evaluated: 2025-09-10. Review status: criteria provided, single submitter. Criteria: ACMG Guidelines, 2015. Collection method: clinical testing. Allele origin: germline.

Mayo Clinic Laboratories, Mayo Clinic
Classification: Uncertain significance. Last evaluated: 2025-06-24. Review status: criteria provided, single submitter. Criteria: ACMG Guidelines, 2015. Collection method: clinical testing. Allele origin: germline. Observed: 2 variant alleles.
Comment: BS1

Blueprint Genetics
Classification: Likely benign. Last evaluated: 2024-09-02. Review status: criteria provided, single submitter. Criteria: ACMG Guidelines, 2015. Collection method: clinical testing. Allele origin: germline.

CeGaT Center for Human Genetics Tuebingen
Classification: Likely benign. Last evaluated: 2023-04-01. Review status: criteria provided, single submitter. Criteria: CeGaT Center For Human Genetics Tuebingen Variant Classification Criteria Version 2. Collection method: clinical testing. Allele origin: germline. Affected: yes. Observed: 1 variant allele.
Comment: GBA1: BS2

Fulgent Genetics
Classification: Likely benign for Lewy body dementia; Parkinson disease, late-onset; Gaucher disease type I; Gaucher disease type II; Gaucher disease type III; Gaucher disease-ophthalmoplegia-cardiovascular calcification syndrome; Gaucher disease perinatal lethal. Last evaluated: 2022-02-23. Review status: criteria provided, single submitter. Criteria: ACMG Guidelines, 2015. Collection method: clinical testing. Allele origin: unknown.

GeneDx
Classification: Likely benign. Last evaluated: 2020-09-23. Review status: criteria provided, single submitter. Criteria: GeneDx Variant Classification Process June 2021. Collection method: clinical testing. Allele origin: germline. Affected: yes.
Comment: This variant is associated with the following publications: (PMID: 20425034, 21242499, 19502295, 26296077, 25249066, 19286695)

Women's Health and Genetics/Laboratory Corporation of America, LabCorp
Classification: Likely benign. Last evaluated: 2020-01-06. Review status: criteria provided, single submitter. Criteria: LabCorp Variant Classification Summary - May 2015. Collection method: clinical testing. Allele origin: germline.
Comment: Variant summary: GBA c.1444G>A (p.Asp482Asn) results in a conservative amino acid change located in the Glycosyl hydrolase family 30, beta sandwich domain (IPR033452) of the encoded protein sequence. Four of five in-silico tools predict a benign effect of the variant on protein function. The variant allele was found at a frequency of 0.00052 in 253860 control chromosomes, predominantly at a frequency of 0.0075 within the African or African-American subpopulation in the gnomAD database, including 1 homozygote. The observed variant frequency within African or African-American control individuals in the gnomAD database is approximately 1.5 fold of the estimated maximal expected allele frequency for a pathogenic variant in GBA causing Gaucher Disease phenotype (0.005), strongly suggesting that the variant is a benign polymorphism found primarily in populations of African or African-American origin. c.1444G>A has been reported in the literature in individuals affected with Parkinson's disease (e.g. Asselta_2014, Gan-Or_2015, Neumann_2009). These reports however, do not provide unequivocal conclusions about association of the variant with Gaucher Disease. It was reported in the literature that GBA mutations may be a risk factor for Parkinson's disease (e.g. PMIDs: 19502295, 26860875). To our knowledge, no experimental evidence demonstrating an impact on protein function has been reported. No clinical diagnostic laboratories have submitted clinical-significance assessments for this variant to ClinVar after 2014. Based on the evidence outlined above, the variant was classified as likely benign.

Natera, Inc.
Classification: Likely benign for Gaucher disease. Last evaluated: 2017-11-14. Review status: no assertion criteria provided. Collection method: clinical testing. Allele origin: germline. Not counted in ClinVar's aggregate classification.

OMIM
Classification: risk factor for PARKINSON DISEASE, LATE-ONSET, SUSCEPTIBILITY TO. Last evaluated: 2009-07-01. Review status: no assertion criteria provided. Collection method: literature only. Allele origin: germline. Not counted in ClinVar's aggregate classification.

Literature cited by the submitters: PubMed 19286695 (cited by 3 submitters); PubMed 25249066 (cited by Mayo Clinic Laboratories, Mayo Clinic and Women's Health and Genetics/Laboratory Corporation of America, LabCorp); PubMed 25653295 (cited by Mayo Clinic Laboratories, Mayo Clinic and Women's Health and Genetics/Laboratory Corporation of America, LabCorp); PubMed 26296077 (cited by Mayo Clinic Laboratories, Mayo Clinic and Women's Health and Genetics/Laboratory Corporation of America, LabCorp); PubMed 34586679 (cited by Mayo Clinic Laboratories, Mayo Clinic); PubMed 35639160 (cited by Mayo Clinic Laboratories, Mayo Clinic); PubMed 37750340 (cited by Mayo Clinic Laboratories, Mayo Clinic); PubMed 38532509 (cited by Mayo Clinic Laboratories, Mayo Clinic).